The following is an entry in ClinVar:

NM_006517.5(SLC16A2):c.1393A>G (p.Ile465Val)

Gene: SLC16A2 (solute carrier family 16 member 2; plus strand). Cytogenetic location: Xq13.2.
Variant type: single nucleotide variant.
Coding change: c.1393A>G on transcript NM_006517.5 (MANE Select); coding-DNA position 1393, A replaced by G.
Protein change: p.Ile465Val; replaces isoleucine 465 with valine.
Molecular consequence: missense variant.
Genome position (GRCh38, 1-based): chrX:74,529,435, A>G. VCF-style: chrX-74529435-A-G. GRCh37 (hg19) VCF-style: chrX-73749270-A-G.
Other names: short protein forms I465V.
Identifiers: ClinVar variation 4706886 (VCV004706886.1).

ClinVar aggregate classification (germline): Uncertain significance (1 of 4 stars; one submission).

Conditions:
Spastic paraplegia. Identifiers: MedGen C0037772, HP:0001258.

gnomAD v4.1: 2 of 1,164,882 alleles (0.00017%); highest among the groups gnomAD compares: Non-Finnish European, 0.00023%; no homozygotes.

Submission:

Labcorp Genetics (formerly Invitae), Labcorp
Classification: Uncertain significance for Spastic paraplegia. Last evaluated: 2025-09-28. Review status: criteria provided, single submitter. Criteria: Invitae Variant Classification Sherloc (09022015). Collection method: clinical testing. Allele origin: germline.
Comment: This sequence change replaces isoleucine, which is neutral and non-polar, with valine, which is neutral and non-polar, at codon 465 of the SLC16A2 protein (p.Ile465Val). This variant is not present in population databases (gnomAD no frequency). This variant has not been reported in the literature in individuals affected with SLC16A2-related conditions. Invitae Evidence Modeling of protein sequence and biophysical properties (such as structural, functional, and spatial information, amino acid conservation, physicochemical variation, residue mobility, and thermodynamic stability) indicates that this missense variant is not expected to disrupt SLC16A2 protein function with a negative predictive value of 95%. In summary, the available evidence is currently insufficient to determine the role of this variant in disease. Therefore, it has been classified as a Variant of Uncertain Significance.